The following is an entry in ClinVar:

NM_001161403.3(LIMS2):c.526G>A (p.Glu176Lys)

Gene: LIMS2 (LIM zinc finger domain containing 2; minus strand). Cytogenetic location: 2q14.3.
Variant type: single nucleotide variant.
Coding change: c.526G>A on transcript NM_001161403.3 (MANE Select); coding-DNA position 526, G replaced by A.
Protein change: p.Glu176Lys; replaces glutamic acid 176 with lysine.
Molecular consequence: missense variant.
Genome position (GRCh38, 1-based): chr2:127,642,183, C>T on the plus strand (G>A on the coding strand, the complement: LIMS2 is on the minus strand). VCF-style: chr2-127642183-C-T. GRCh37 (hg19) VCF-style: chr2-128399758-C-T.
Other names: c.592G>A, p.Glu198Lys (NM_001136037.4); c.511G>A, p.Glu171Lys (NM_001161404.2); c.70G>A, p.Glu24Lys (NM_001256542.2); c.598G>A, p.Glu200Lys (NM_017980.5); short protein forms E171K, E200K, E176K, E198K, E24K.
Identifiers: ClinVar variation 542252 (VCV000542252.3), dbSNP rs759040020, ClinGen allele CA1863020.

ClinVar aggregate classification (germline): Uncertain significance. Review status: criteria provided, multiple submitters, no conflicts (2 of 4 stars). 2 submissions from 2 submitters: Uncertain significance (2). Last evaluated 2024-04-17.

Conditions:
Autosomal recessive limb-girdle muscular dystrophy type 2W (MDRCMTT). Also called: Muscular dystrophy, limb-girdle, type 2W; Muscular dystrophy, autosomal recessive, with cardiomyopathy and triangular tongue. Identifiers: MedGen C4225192, MONDO:0014788, OMIM 616827.

Allele frequency attached by ClinVar (database versions not stated): gnomAD 0.00001 and 0.00002; gnomAD exomes 0.00001 and 0.00002; ExAC 0.00002; TOPMed 0.00002.
gnomAD v4.1: 22 of 1,564,096 alleles (0.0014%); highest among the groups gnomAD compares: East Asian, 0.016%; no homozygotes.

Submissions (2):

Ambry Genetics
Classification: Uncertain significance. Last evaluated: 2024-04-17. Review status: criteria provided, single submitter. Criteria: Ambry Variant Classification Scheme 2023. Collection method: clinical testing. Allele origin: germline.

Labcorp Genetics (formerly Invitae), Labcorp
Classification: Uncertain significance for Muscular dystrophy, limb-girdle, type 2W. Last evaluated: 2019-06-27. Review status: criteria provided, single submitter. Criteria: Invitae Variant Classification Sherloc (09022015). Collection method: clinical testing. Allele origin: germline.
Comment: This sequence change replaces glutamic acid with lysine at codon 200 of the LIMS2 protein (p.Glu200Lys). The glutamic acid residue is moderately conserved and there is a small physicochemical difference between glutamic acid and lysine. This variant is present in population databases (rs759040020, ExAC 0.02%). This variant has not been reported in the literature in individuals with LIMS2-related disease. Algorithms developed to predict the effect of missense changes on protein structure and function (SIFT, PolyPhen-2, Align-GVGD) all suggest that this variant is likely to be tolerated, but these predictions have not been confirmed by published functional studies and their clinical significance is uncertain. In summary, the available evidence is currently insufficient to determine the role of this variant in disease. Therefore, it has been classified as a Variant of Uncertain Significance.